The following is an entry in ClinVar:

Single allele

Genes: COPG1 (coat protein complex I subunit gamma 1; plus strand), DNAJB8 (DnaJ heat shock protein family (Hsp40) member B8; minus strand), MGLL (monoglyceride lipase; minus strand), MUC13 (mucin 13, cell surface associated; minus strand), TMCC1 (transmembrane and coiled-coil domain family 1; minus strand) and 56 more. Cytogenetic location: 3q21.1-22.1.
Variant type: Deletion.
Identifiers: ClinVar variation 1183991 (VCV001183991.1).

ClinVar aggregate classification (germline): Pathogenic (1 of 4 stars; one submission).

Conditions:
Deafness-lymphedema-leukemia syndrome. Also called: Emberger syndrome; Lymphedema, primary, with myelodysplasia. Identifiers: Orphanet 3226, MedGen C3279664, MONDO:0013540, OMIM 614038.
GATA2 deficiency with susceptibility to MDS/AML. Identifiers: MedGen CN300066, MONDO:0042982.

Submission:

Molecular Pathology Research Laboratory, SA Pathology
Classification: Pathogenic for GATA2 deficiency with susceptibility to MDS/AML; Deafness-lymphedema-leukemia syndrome. Last evaluated: 2021-07-06. Review status: criteria provided, single submitter. Criteria: ACMG Guidelines, 2015. Collection method: curation. Allele origin: unknown. Inheritance: Autosomal dominant inheritance. Affected: yes. Observed: 1 variant allele.
Comment: PVS1, PS4_Supporting, PM2

Literature cited by the submitters: PubMed 19449416; PubMed 22147895; PubMed 26710799.